The following is an entry in ClinVar:

NM_025137.4(SPG11):c.6677G>T (p.Ser2226Ile)

Gene: SPG11 (SPG11 vesicle trafficking associated, spatacsin; minus strand). Cytogenetic location: 15q21.1.
Variant type: single nucleotide variant.
Coding change: c.6677G>T on transcript NM_025137.4 (MANE Select); coding-DNA position 6677, G replaced by T.
Protein change: p.Ser2226Ile; replaces serine 2226 with isoleucine.
Molecular consequence: missense variant.
Genome position (GRCh38, 1-based): chr15:44,567,501, C>A on the plus strand (G>T on the coding strand, the complement: SPG11 is on the minus strand). VCF-style: chr15-44567501-C-A. GRCh37 (hg19) VCF-style: chr15-44859699-C-A.
Other names: c.6338G>T, p.Ser2113Ile (NM_001160227.2); short protein forms S2226I, S2113I.
Identifiers: ClinVar variation 933957 (VCV000933957.9), dbSNP rs2082334964, ClinGen allele CA392215015.

ClinVar aggregate classification (germline): Uncertain significance (1 of 4 stars; one submission).

Conditions:
Hereditary spastic paraplegia 11. Also called: Spastic paraplegia, mental retardation and thin corpus callosum; Nakamura Osame syndrome; Autosomal recessive hereditary spastic paraplegia, mental impairment, and thin corpus callosum; SPASTIC PARAPLEGIA, AUTOSOMAL RECESSIVE, COMPLICATED, WITH THIN CORPUS CALLOSUM; SPASTIC PARAPLEGIA, AUTOSOMAL RECESSIVE, WITH MENTAL IMPAIRMENT AND THIN CORPUS CALLOSUM; Spastic Paraplegia 11. Identifiers: Orphanet 2822, MedGen C1858479, MONDO:0011445, OMIM 604360.

gnomAD v4.1: 2 of 1,614,096 alleles (0.00012%); highest among the groups gnomAD compares: Non-Finnish European, 0.00017%; no homozygotes.

Submission:

Labcorp Genetics (formerly Invitae), Labcorp
Classification: Uncertain significance for Hereditary spastic paraplegia 11. Last evaluated: 2019-09-24. Review status: criteria provided, single submitter. Criteria: Invitae Variant Classification Sherloc (09022015). Collection method: clinical testing. Allele origin: germline.
Comment: This sequence change replaces serine with isoleucine at codon 2226 of the SPG11 protein (p.Ser2226Ile). The serine residue is highly conserved and there is a large physicochemical difference between serine and isoleucine. In summary, the available evidence is currently insufficient to determine the role of this variant in disease. Therefore, it has been classified as a Variant of Uncertain Significance. Algorithms developed to predict the effect of missense changes on protein structure and function are either unavailable or do not agree on the potential impact of this missense change (SIFT: "Tolerated"; PolyPhen-2: "Possibly Damaging"; Align-GVGD: "Class C0"). This variant has not been reported in the literature in individuals with SPG11-related conditions. This variant is not present in population databases (ExAC no frequency).